The following is an entry in ClinVar:

NM_020117.11(LARS1):c.2014G>A (p.Val672Ile)

Gene: LARS1 (leucyl-tRNA synthetase 1; minus strand). Cytogenetic location: 5q32.
Variant type: single nucleotide variant.
Coding change: c.2014G>A on transcript NM_020117.11 (MANE Select); coding-DNA position 2014, G replaced by A.
Protein change: p.Val672Ile; replaces valine 672 with isoleucine.
Molecular consequence: missense variant.
Genome position (GRCh38, 1-based): chr5:146,142,948, C>T on the plus strand (G>A on the coding strand, the complement: LARS1 is on the minus strand). VCF-style: chr5-146142948-C-T. GRCh37 (hg19) VCF-style: chr5-145522511-C-T.
Other names: p.V672I:GTC>ATC; c.1876G>A, p.Val626Ile (NM_001317964.2); c.1852G>A, p.Val618Ile (NM_001317965.2); c.1933G>A, p.Val645Ile (NM_016460.4); short protein forms V672I, V626I, V645I, V618I.
Identifiers: ClinVar variation 214560 (VCV000214560.5), dbSNP rs368776216, ClinGen allele CA325423.

ClinVar aggregate classification (germline): Uncertain significance. Review status: criteria provided, multiple submitters, no conflicts (2 of 4 stars). 2 submissions from 2 submitters: Uncertain significance (2). Last evaluated 2023-04-18.

Allele frequency attached by ClinVar (database versions not stated): ExAC 0.00002; gnomAD exomes 0.00002 and 0.00003; gnomAD 0.00004 and 0.00005; TOPMed 0.00005; ESP Exome Variant Server 0.00008.
gnomAD v4.1: 55 of 1,614,048 alleles (0.0034%); highest among the groups gnomAD compares: Non-Finnish European, 0.0039%; no homozygotes.

Submissions (2):

Ambry Genetics
Classification: Uncertain significance. Last evaluated: 2023-04-18. Review status: criteria provided, single submitter. Criteria: Ambry Variant Classification Scheme 2023. Collection method: clinical testing. Allele origin: germline.

GeneDx
Classification: Uncertain significance. Last evaluated: 2022-11-07. Review status: criteria provided, single submitter. Criteria: GeneDx Variant Classification Process June 2021. Collection method: clinical testing. Allele origin: germline. Affected: yes.
Comment: Not observed at significant frequency in large population cohorts (gnomAD); In silico analysis supports that this missense variant does not alter protein structure/function; Has not been previously published as pathogenic or benign to our knowledge